The following is an entry in ClinVar:

ClinVar aggregate classification (germline): Conflicting classifications of pathogenicity. Review status: criteria provided, conflicting classifications (1 of 4 stars). 5 submissions from 5 submitters: Uncertain significance (4); Likely benign (1). Last evaluated 2025-12-29.

Conditions:
Hereditary cancer-predisposing syndrome. Also called: Hereditary neoplastic syndrome; Neoplastic Syndromes, Hereditary; Tumor predisposition; Hereditary Cancer Syndrome. Identifiers: Orphanet 140162, MedGen C0027672, MeSH D009386, MONDO:0015356.
Birt-Hogg-Dube syndrome. Also called: Birt Hogg Dubé syndrome. Identifiers: Orphanet 122, MedGen C0346010, MONDO:0800444.
Birt-Hogg-Dube syndrome 1 (BHD1). Also called: FIBROFOLLICULOMAS WITH TRICHODISCOMAS AND ACROCHORDONS. Identifiers: Orphanet 122, MedGen CN375946, MONDO:0800445, OMIM 135150.
Familial spontaneous pneumothorax (PSP). Identifiers: Orphanet 2903, MedGen C1868193, MONDO:0008259, OMIM 173600.
Nonpapillary renal cell carcinoma. Identifiers: Orphanet 422526, MedGen CN074294, MONDO:0007763, OMIM 144700.
Colorectal cancer. Also called: Malignant Colorectal Neoplasm; Colorectal cancer, somatic. Identifiers: MedGen C0346629, MONDO:0005575, OMIM 114500.
17p11.2 microduplication syndrome (PTLS). Also called: CHROMOSOME 17p11.2 DUPLICATION SYNDROME; Potocki-Lupski syndrome; Duplication 17p11.2 syndrome; Potocki-Lupski syndrome (dup(17)(p11.2p11.2)). Identifiers: Orphanet 1713, MedGen C2931246, MONDO:0012574, OMIM 610883.

gnomAD v4.1: 1 of 1,614,134 alleles (0.000062%); highest among the groups gnomAD compares: Non-Finnish European, 0.000085%; no homozygotes.

Submissions (5):

Center for Genomic Medicine, Rigshospitalet, Copenhagen University Hospital
Classification: Uncertain significance. Last evaluated: 2025-12-29. Review status: criteria provided, single submitter. Criteria: ACMG Guidelines, 2015. Collection method: clinical testing. Allele origin: germline.

Labcorp Genetics (formerly Invitae), Labcorp
Classification: Uncertain significance for Birt-Hogg-Dube syndrome. Last evaluated: 2025-01-29. Review status: criteria provided, single submitter. Criteria: Invitae Variant Classification Sherloc (09022015). Collection method: clinical testing. Allele origin: germline.
Comment: This sequence change replaces arginine, which is basic and polar, with leucine, which is neutral and non-polar, at codon 570 of the FLCN protein (p.Arg570Leu). This variant is not present in population databases (gnomAD no frequency). This variant has not been reported in the literature in individuals affected with FLCN-related conditions. ClinVar contains an entry for this variant (Variation ID: 1043559). An algorithm developed to predict the effect of missense changes on protein structure and function (PolyPhen-2) suggests that this variant is likely to be tolerated. In summary, the available evidence is currently insufficient to determine the role of this variant in disease. Therefore, it has been classified as a Variant of Uncertain Significance.

Baylor Genetics
Classification: Uncertain significance for Birt-Hogg-Dube syndrome 1. Last evaluated: 2024-03-25. Review status: criteria provided, single submitter. Criteria: ACMG Guidelines, 2015. Collection method: clinical testing. Allele origin: unknown.

Ambry Genetics
Classification: Likely benign for Hereditary cancer-predisposing syndrome. Last evaluated: 2023-02-06. Review status: criteria provided, single submitter. Criteria: Ambry Variant Classification Scheme 2023. Collection method: clinical testing. Allele origin: germline.

Fulgent Genetics
Classification: Uncertain significance for Colorectal cancer; Birt-Hogg-Dube syndrome 1; Nonpapillary renal cell carcinoma; Familial spontaneous pneumothorax; 17p11.2 microduplication syndrome. Last evaluated: 2021-10-29. Review status: criteria provided, single submitter. Criteria: ACMG Guidelines, 2015. Collection method: clinical testing. Allele origin: unknown.

NM_144997.7(FLCN):c.1709G>T (p.Arg570Leu)

Gene: FLCN (folliculin; minus strand). Cytogenetic location: 17p11.2.
Variant type: single nucleotide variant.
Coding change: c.1709G>T on transcript NM_144997.7 (MANE Select); coding-DNA position 1709, G replaced by T.
Protein change: p.Arg570Leu; replaces arginine 570 with leucine.
Molecular consequence: missense variant.
Genome position (GRCh38, 1-based): chr17:17,213,686, C>A on the plus strand (G>T on the coding strand, the complement: FLCN is on the minus strand). VCF-style: chr17-17213686-C-A. GRCh37 (hg19) VCF-style: chr17-17117000-C-A.
Other names: c.1763G>T, p.Arg588Leu (NM_001353229.2); c.1709G>T, p.Arg570Leu (NM_001353230.2, NM_001353231.2); short protein forms R588L, R570L.
Identifiers: ClinVar variation 1043559 (VCV001043559.11), dbSNP rs201056799, ClinGen allele CA288303537.